The following is an entry in ClinVar:

ClinVar aggregate classification (germline): Uncertain significance. Review status: criteria provided, multiple submitters, no conflicts (2 of 4 stars). 2 submissions from 2 submitters: Uncertain significance (2). Last evaluated 2025-07-25.

Conditions:
Frasier syndrome. Identifiers: Orphanet 347, MedGen C0950122, MeSH D052159, MONDO:0007635, OMIM 136680.
Wilms tumor 1 (WT1). Also called: Wilms tumor, somatic. Identifiers: Orphanet 654, MedGen CN033288, MONDO:0008679, OMIM 194070.
11p partial monosomy syndrome (WAGR). Also called: WAGR Spectrum Disorder; CHROMOSOME 11p13 DELETION SYNDROME; WAGR syndrome; WAGR Complex. Identifiers: Orphanet 893, MedGen C0206115, MONDO:0008681, OMIM 194072.
Drash syndrome (DDS). Also called: NEPHROPATHY, WILMS TUMOR, AND GENITAL ANOMALIES; WILMS TUMOR AND PSEUDO- OR TRUE HERMAPHRODITISM. Identifiers: Orphanet 220, MedGen C0950121, MONDO:0008682, OMIM 194080.
Inborn genetic diseases. Identifiers: MedGen C0950123, MeSH D030342.

Allele frequency attached by ClinVar (database versions not stated): gnomAD exomes below 0.00001.
gnomAD v4.1: 1 of 1,529,356 alleles (0.000065%); highest among the groups gnomAD compares: Non-Finnish European, 0.000087%; no homozygotes.

Submissions (2):

Ambry Genetics
Classification: Uncertain significance for Inborn genetic diseases. Last evaluated: 2025-07-25. Review status: criteria provided, single submitter. Criteria: Ambry Variant Classification Scheme 2023. Collection method: clinical testing. Allele origin: germline.
Comment: The p.E51Q variant (also known as c.151G>C), located in coding exon 1 of the WT1 gene, results from a G to C substitution at nucleotide position 151. The glutamic acid at codon 51 is replaced by glutamine, an amino acid with highly similar properties. This amino acid position is conserved. In addition, this alteration is predicted to be tolerated by in silico analysis. Based on the available evidence, the clinical significance of this variant remains unclear.

Labcorp Genetics (formerly Invitae), Labcorp
Classification: Uncertain significance for Wilms tumor 1; Drash syndrome; 11p partial monosomy syndrome; Frasier syndrome. Last evaluated: 2025-06-06. Review status: criteria provided, single submitter. Criteria: Invitae Variant Classification Sherloc (09022015). Collection method: clinical testing. Allele origin: germline.
Comment: This sequence change replaces glutamic acid, which is acidic and polar, with glutamine, which is neutral and polar, at codon 51 of the WT1 protein (p.Glu51Gln). This variant is not present in population databases (gnomAD no frequency). This variant has not been reported in the literature in individuals affected with WT1-related conditions. ClinVar contains an entry for this variant (Variation ID: 2163550). An algorithm developed to predict the effect of missense changes on protein structure and function outputs the following: PolyPhen-2: "Possibly Damaging". The glutamine amino acid residue is found in multiple mammalian species, which suggests that this missense change does not adversely affect protein function. In summary, the available evidence is currently insufficient to determine the role of this variant in disease. Therefore, it has been classified as a Variant of Uncertain Significance.

NM_024426.6(WT1):c.166G>C (p.Glu56Gln)

Genes: WT1 (WT1 transcription factor; minus strand), LOC107982234 (WT1/WT1-AS bi-directional promoter region; plus strand). Cytogenetic location: 11p13.
Variant type: single nucleotide variant.
Coding change: c.166G>C on transcript NM_024426.6 (MANE Select); coding-DNA position 166, G replaced by C.
Protein change: p.Glu56Gln; replaces glutamic acid 56 with glutamine.
Molecular consequence: missense variant. On other transcripts: non-coding transcript variant (1).
Genome position (GRCh38, 1-based): chr11:32,435,195, C>G on the plus strand (G>C on the coding strand, the complement: WT1 is on the minus strand). VCF-style: chr11-32435195-C-G. GRCh37 (hg19) VCF-style: chr11-32456741-C-G.
Other names: c.166G>C, p.Glu56Gln (NM_000378.6, NM_001407044.1, NM_001407045.1 and 6 more transcripts); c.151G>C, p.Glu51Gln (NM_024425.2); c.151G>C (NM_024426.4); short protein forms E56Q, E51Q.
Identifiers: ClinVar variation 2163550 (VCV002163550.6), dbSNP rs2494487558, ClinGen allele CA379966246.
Genomic context (GRCh38, chr11:32,435,195, plus strand): 5'-AGCCCATTTGCTGCGGCTCAGACCCGGACGCCCCGCGGCTCCTCCGGCCCTGGAGACGTT[C>G]AGCGCTGGCCTCGGCGGCGCCTAACTTGGCCCAGATGCCGCCCGGGTCCCGGACTCCCTG-3'
Protein context (NP_077744.4, residues 46-66): AKLGAAEASA[Glu56Gln]RLQGRRSRGA